The following is an entry in ClinVar:

ClinVar aggregate classification (germline): Uncertain significance. Review status: criteria provided, multiple submitters, no conflicts (2 of 4 stars). 2 submissions from 2 submitters: Uncertain significance (2). Last evaluated 2026-05-30.

Conditions:
Inborn genetic diseases. Identifiers: MedGen C0950123, MeSH D030342.
Fanconi anemia (FA). Also called: Fanconi's anemia. Identifiers: Orphanet 84, MedGen C0015625, MeSH D005199, MONDO:0019391.

Submissions (2):

Ambry Genetics
Classification: Uncertain significance for Inborn genetic diseases. Last evaluated: 2026-05-30. Review status: criteria provided, single submitter. Criteria: Ambry Variant Classification Scheme 2023. Collection method: clinical testing. Allele origin: germline.
Comment: The p.T561S variant (also known as c.1681A>T), located in coding exon 18 of the FANCA gene, results from an A to T substitution at nucleotide position 1681. The threonine at codon 561 is replaced by serine, an amino acid with similar properties. This amino acid position is conserved. In addition, the in silico prediction for this alteration is inconclusive. Based on the available evidence, the clinical significance of this variant remains unclear.

Labcorp Genetics (formerly Invitae), Labcorp
Classification: Uncertain significance for Fanconi anemia. Last evaluated: 2021-09-25. Review status: criteria provided, single submitter. Criteria: Invitae Variant Classification Sherloc (09022015). Collection method: clinical testing. Allele origin: germline.
Comment: This sequence change replaces threonine with serine at codon 561 of the FANCA protein (p.Thr561Ser). The threonine residue is highly conserved and there is a small physicochemical difference between threonine and serine. This variant is not present in population databases (ExAC no frequency). This variant has not been reported in the literature in individuals affected with FANCA-related conditions. Algorithms developed to predict the effect of missense changes on protein structure and function are either unavailable or do not agree on the potential impact of this missense change (SIFT: "Deleterious"; PolyPhen-2: "Benign"; Align-GVGD: "Class C0"). In summary, the available evidence is currently insufficient to determine the role of this variant in disease. Therefore, it has been classified as a Variant of Uncertain Significance.

NM_000135.4(FANCA):c.1681A>T (p.Thr561Ser)

Gene: FANCA (FA complementation group A; minus strand). Cytogenetic location: 16q24.3.
Variant type: single nucleotide variant.
Coding change: c.1681A>T on transcript NM_000135.4 (MANE Select); coding-DNA position 1681, A replaced by T.
Protein change: p.Thr561Ser; replaces threonine 561 with serine.
Molecular consequence: missense variant.
Genome position (GRCh38, 1-based): chr16:89,779,903, T>A on the plus strand (A>T on the coding strand, the complement: FANCA is on the minus strand). VCF-style: chr16-89779903-T-A. GRCh37 (hg19) VCF-style: chr16-89846311-T-A.
Other names: c.1681A>T, p.Thr561Ser (NM_001286167.3); c.1681A>T (NM_000135.2); short protein forms T561S.
Identifiers: ClinVar variation 1441281 (VCV001441281.4), dbSNP rs2143432620, ClinGen allele CA397456036.
Genomic context (GRCh38, chr16:89,779,903, plus strand): 5'-GAGGCCTTTTCGGCAGCCCAGCCTACCTGGCCTCCATGACGGTGACTGGGATGTTCCCCG[T>A]ATGCTCAAACACCATGATGGCCTTTTCAACATCCTGAAGAGCTTGGCTGTGGGGCTGGTT-3'
Protein context (NP_000126.2, residues 551-571): VEKAIMVFEH[Thr561Ser]GNIPVTVMEA